The following is an entry in ClinVar:

NM_018941.4(CLN8):c.703C>T (p.Leu235Phe)

Gene: CLN8 (CLN8 transmembrane ER and ERGIC protein; plus strand). Cytogenetic location: 8p23.3.
Variant type: single nucleotide variant.
Coding change: c.703C>T on transcript NM_018941.4 (MANE Select); coding-DNA position 703, C replaced by T.
Protein change: p.Leu235Phe; replaces leucine 235 with phenylalanine.
Molecular consequence: missense variant.
Genome position (GRCh38, 1-based): chr8:1,780,409, C>T. VCF-style: chr8-1780409-C-T. GRCh37 (hg19) VCF-style: chr8-1728575-C-T.
Other names: short protein forms L235F.
Identifiers: ClinVar variation 2002416 (VCV002002416.1), dbSNP rs1205636247, ClinGen allele CA369954153.
Genomic context (GRCh38, chr8:1,780,409, plus strand): 5'-TGTTTCTGGCACTGGGACGGCCTGGTCAGCAGCCTGTATCTGCCTCATTTGACACTGTTC[C>T]TTGTCGGACTGGCTCTGCTTACGCTAATCATTAATCCATATTGGACCCATAAGAAGACTC-3'
Protein context (NP_061764.2, residues 225-245): SLYLPHLTLF[Leu235Phe]VGLALLTLII

ClinVar aggregate classification (germline): Uncertain significance (1 of 4 stars; one submission).

Conditions:
Neuronal ceroid lipofuscinosis. Also called: Neuronal Ceroid Lipofuscinoses. Identifiers: Orphanet 216, Orphanet 79263, MedGen C0027877, MONDO:0016295. Disease mechanism: loss of function.

Allele frequency attached by ClinVar (database versions not stated): gnomAD 0.00001; TOPMed 0.00001.
gnomAD v4.1: 1 of 1,614,108 alleles (0.000062%); highest among the groups gnomAD compares: African/African-American, 0.0013%; no homozygotes.

Submission:

Labcorp Genetics (formerly Invitae), Labcorp
Classification: Uncertain significance for Neuronal ceroid lipofuscinosis. Last evaluated: 2022-06-04. Review status: criteria provided, single submitter. Criteria: Invitae Variant Classification Sherloc (09022015). Collection method: clinical testing. Allele origin: germline.
Comment: This sequence change replaces leucine, which is neutral and non-polar, with phenylalanine, which is neutral and non-polar, at codon 235 of the CLN8 protein (p.Leu235Phe). This variant is not present in population databases (gnomAD no frequency). This variant has not been reported in the literature in individuals affected with CLN8-related conditions. Advanced modeling of protein sequence and biophysical properties (such as structural, functional, and spatial information, amino acid conservation, physicochemical variation, residue mobility, and thermodynamic stability) performed at Invitae indicates that this missense variant is not expected to disrupt CLN8 protein function. In summary, the available evidence is currently insufficient to determine the role of this variant in disease. Therefore, it has been classified as a Variant of Uncertain Significance.